The following is an entry in ClinVar:

NM_000518.4(HBB):c.19G>C (p.Glu7Gln)

Genes: HBB (hemoglobin subunit beta; minus strand), LOC106099062 (HBB recombination region; plus strand), LOC107133510 (origin of replication at HBB; plus strand). Cytogenetic location: 11p15.4.
Variant type: single nucleotide variant.
Coding change: c.19G>C on transcript NM_000518.4; coding-DNA position 19, G replaced by C.
Protein change: p.Glu7Gln; replaces glutamic acid 7 with glutamine.
Molecular consequence: missense variant (on NM_000518.5).
Genome position (GRCh38, 1-based): chr11:5,227,003, C>G on the plus strand (G>C on the coding strand, the complement: HBB is on the minus strand). VCF-style: chr11-5227003-C-G. GRCh37 (hg19) VCF-style: chr11-5248233-C-G.
Other names: E6Q; c.19G>C, p.Glu7Gln (NM_000518.5); short protein forms E7Q.
Identifiers: ClinVar variation 15243 (VCV000015243.3), dbSNP rs33930165, ClinGen allele CA124989.

ClinVar aggregate classification (germline): Uncertain significance. Review status: criteria provided, single submitter (1 of 4 stars). 2 submissions from 2 submitters: Uncertain significance (1). 1 of the submissions does not count toward it. Last evaluated 2024-11-06.

Conditions:
HEMOGLOBIN MACHIDA.

Submissions (2):

Women's Health and Genetics/Laboratory Corporation of America, LabCorp
Classification: Uncertain significance. Last evaluated: 2024-11-06. Review status: criteria provided, single submitter. Criteria: LabCorp Variant Classification Summary - May 2015. Collection method: clinical testing. Allele origin: germline.
Comment: Variant summary: HBB c.19G>C (p.Glu7Gln) results in a conservative amino acid change in the encoded protein sequence. Five of five in-silico tools predict a benign effect of the variant on protein function. The variant was absent in 251156 control chromosomes (gnomAD). The available data on variant occurrences in the general population are insufficient to allow any conclusion about variant significance. c.19G>C (also known as p.Glu6Gln and Hb Machida) has been reported in the literature in heterozygous state as a laboratory finding in individuals who were apparently clinically healthy and hematologically normal (Harano_1982). Authors of this study also reported that the sickling test performed on peripheral blood from the carriers was clearly negative, and instability was not demonstrable; in addition, oxygen equilibrium curves of purified Hb Machida were within the normal range, and Hb Machida was synthesized at a nearly normal rate (Harano_1982). Other variants affecting the same codon has been well known to affect HBB function (i.e. E7V aka HbS, E7K aka HbC), supporting the critical relevance of codon 7. A later in vitro functional study demonstrated that the variant did not copolymerize with E7V (HbS) in vitro when mixed in a 1:1 ratio, i.e. it behaved as non-sickling hemoglobins (Adachi_1987). The following publications have been ascertained in the context of this evaluation (PMID: 6129204, 2888754, 29365076). ClinVar contains an entry for this variant (Variation ID: 15243). Based on the evidence outlined above, the variant was classified as uncertain significance.

OMIM
Classification: other for HEMOGLOBIN MACHIDA. Last evaluated: 2017-12-12. Review status: no assertion criteria provided. Collection method: literature only. Allele origin: germline. Not counted in ClinVar's aggregate classification.

Literature cited by the submitters: PubMed 6129204 (cited by Women's Health and Genetics/Laboratory Corporation of America, LabCorp); PubMed 29365076 (cited by Women's Health and Genetics/Laboratory Corporation of America, LabCorp); PubMed 2888754 (cited by Women's Health and Genetics/Laboratory Corporation of America, LabCorp); PubMed 7338476 (cited by OMIM).